The following is an entry in ClinVar:

ClinVar aggregate classification (germline): Uncertain significance. Review status: criteria provided, multiple submitters, no conflicts (2 of 4 stars). 2 submissions from 2 submitters: Uncertain significance (2). Last evaluated 2022-05-12.

Conditions:
Neuronal ceroid lipofuscinosis. Also called: Neuronal Ceroid Lipofuscinoses. Identifiers: Orphanet 216, Orphanet 79263, MedGen C0027877, MONDO:0016295. Disease mechanism: loss of function.

Allele frequency attached by ClinVar (database versions not stated): TOPMed 0.00002.

Submissions (2):

Labcorp Genetics (formerly Invitae), Labcorp
Classification: Uncertain significance for Neuronal ceroid lipofuscinosis. Last evaluated: 2022-05-12. Review status: criteria provided, single submitter. Criteria: Invitae Variant Classification Sherloc (09022015). Collection method: clinical testing. Allele origin: germline.
Comment: This sequence change replaces glutamic acid, which is acidic and polar, with lysine, which is basic and polar, at codon 72 of the CLN6 protein (p.Glu72Lys). This variant is present in population databases (rs104894483, gnomAD 0.004%). This variant has not been reported in the literature in individuals affected with CLN6-related conditions. ClinVar contains an entry for this variant (Variation ID: 964655). Algorithms developed to predict the effect of missense changes on protein structure and function are either unavailable or do not agree on the potential impact of this missense change (SIFT: "Deleterious"; PolyPhen-2: "Possibly Damaging"; Align-GVGD: "Class C0"). In summary, the available evidence is currently insufficient to determine the role of this variant in disease. Therefore, it has been classified as a Variant of Uncertain Significance.

GeneDx
Classification: Uncertain significance. Last evaluated: 2021-11-22. Review status: criteria provided, single submitter. Criteria: GeneDx Variant Classification Process June 2021. Collection method: clinical testing. Allele origin: germline. Affected: yes.
Comment: Not observed at significant frequency in large population cohorts (Lek et al., 2016); In silico analysis supports that this missense variant has a deleterious effect on protein structure/function; Has not been previously published as pathogenic or benign to our knowledge

NM_017882.3(CLN6):c.214G>A (p.Glu72Lys)

Gene: CLN6 (CLN6 transmembrane ER protein; minus strand). Cytogenetic location: 15q23.
Variant type: single nucleotide variant.
Coding change: c.214G>A on transcript NM_017882.3 (MANE Select); coding-DNA position 214, G replaced by A.
Protein change: p.Glu72Lys; replaces glutamic acid 72 with lysine.
Molecular consequence: missense variant.
Genome position (GRCh38, 1-based): chr15:68,214,373, C>T on the plus strand (G>A on the coding strand, the complement: CLN6 is on the minus strand). VCF-style: chr15-68214373-C-T. GRCh37 (hg19) VCF-style: chr15-68506711-C-T.
Other names: short protein forms E72K.
Identifiers: ClinVar variation 964655 (VCV000964655.7), dbSNP rs104894483, ClinGen allele CA7630662.